The following is an entry in ClinVar:

ClinVar aggregate classification (germline): Uncertain significance (1 of 4 stars; one submission).

Conditions:
Charcot-Marie-Tooth disease dominant intermediate C (CMTDIC). Also called: CHARCOT-MARIE-TOOTH NEUROPATHY, DOMINANT INTERMEDIATE C. Identifiers: Orphanet 100045, MedGen C1842237, MONDO:0012012, OMIM 608323.

Submission:

Labcorp Genetics (formerly Invitae), Labcorp
Classification: Uncertain significance for Charcot-Marie-Tooth disease dominant intermediate C. Last evaluated: 2022-11-08. Review status: criteria provided, single submitter. Criteria: Invitae Variant Classification Sherloc (09022015). Collection method: clinical testing. Allele origin: germline.
Comment: In summary, the available evidence is currently insufficient to determine the role of this variant in disease. Therefore, it has been classified as a Variant of Uncertain Significance. Advanced modeling of protein sequence and biophysical properties (such as structural, functional, and spatial information, amino acid conservation, physicochemical variation, residue mobility, and thermodynamic stability) has been performed at Invitae for this missense variant, however the output from this modeling did not meet the statistical confidence thresholds required to predict the impact of this variant on YARS protein function. This variant has not been reported in the literature in individuals affected with YARS-related conditions. This variant is not present in population databases (gnomAD no frequency). This sequence change replaces valine, which is neutral and non-polar, with methionine, which is neutral and non-polar, at codon 156 of the YARS protein (p.Val156Met).

NM_003680.4(YARS1):c.466G>A (p.Val156Met)

Gene: YARS1 (tyrosyl-tRNA synthetase 1; minus strand). Cytogenetic location: 1p35.1.
Variant type: single nucleotide variant.
Coding change: c.466G>A on transcript NM_003680.4 (MANE Select); coding-DNA position 466, G replaced by A.
Protein change: p.Val156Met; replaces valine 156 with methionine.
Molecular consequence: missense variant.
Genome position (GRCh38, 1-based): chr1:32,806,526, C>T on the plus strand (G>A on the coding strand, the complement: YARS1 is on the minus strand). VCF-style: chr1-32806526-C-T. GRCh37 (hg19) VCF-style: chr1-33272127-C-T.
Other names: short protein forms V156M.
Identifiers: ClinVar variation 2001069 (VCV002001069.4), dbSNP rs781752618, ClinGen allele CA339686788.
Genomic context (GRCh38, chr1:32,806,526, plus strand): 5'-CATCCCCCTTAAGTACCTGCAGTCCGGGGTATAAGAGGCCACTCAGCAAAGGGTGCTCCA[C>T]CTGCTTTACCACCTCAGCTCCAGCCTTCTTGGAATCGTGCTGTGTGACCACGGAGGAGAG-3'
Protein context (NP_003671.1, residues 146-166): KKAGAEVVKQ[Val156Met]EHPLLSGLLY